The following is an entry in ClinVar:

ClinVar aggregate classification (germline): Pathogenic. Review status: no assertion criteria provided (0 of 4 stars). 2 submissions from 2 submitters: Pathogenic (2). Last evaluated 2017-07-03.

Conditions:
Mirror movements 1 (MRMV1). Identifiers: Orphanet 238722, MedGen C1834870, OMIM 157600, MONDO:0008002.
Corpus callosum, agenesis of. Also called: Agenesis of the corpus callosum; Isolated corpus callosum agenesis; Corpus callosum agenesis; Mental retardation hypoplastic corpus callosum preauricular tag; Da silva syndrome. Identifiers: Orphanet 200, MedGen C0175754, MONDO:0009022, OMIM 217990, HP:0001274.

Submissions (2):

OMIM
Classification: Pathogenic for MIRROR MOVEMENTS 1 AND/OR AGENESIS OF THE CORPUS CALLOSUM. Last evaluated: 2017-07-03. Review status: no assertion criteria provided. Collection method: literature only. Allele origin: germline.

Neurogenetics Research; Murdoch Childrens Research Institute
Classification: Pathogenic for Corpus callosum, agenesis of. Last evaluated: 2016-01-01. Review status: no assertion criteria provided. Collection method: research. Allele origin: germline. Affected: yes.
Comment: Mutations in DCC can cause either agenesis of the corpus callosum, mirror movements or both phenotypes

Literature cited by the submitters: PubMed 28250454 (cited by OMIM).

NM_005215.4(DCC):c.925del (p.Thr309fs)

Gene: DCC (DCC netrin 1 receptor; plus strand). Cytogenetic location: 18q21.2.
Variant type: Deletion.
Coding change: c.925del on transcript NM_005215.4 (MANE Select); coding-DNA position 925, one base deleted (A; older notation c.925delA).
Protein change: p.Thr309fs; shifts the reading frame from threonine 309.
Molecular consequence: frameshift variant.
Genome position (GRCh38, 1-based): chr18:52,925,310, A deleted. VCF-style (leftmost placement, unchanged base first): chr18-52925309-TA-T. GRCh37 (hg19) VCF-style: chr18-50451679-TA-T.
Other names: short protein forms T309fs.
Identifiers: ClinVar variation 375281 (VCV000375281.1), dbSNP rs1057519053, ClinGen allele CA16044031.